The following is an entry in ClinVar:

NM_000059.4(BRCA2):c.9539T>C (p.Leu3180Pro)

Gene: BRCA2 (BRCA2 DNA repair associated; plus strand). Cytogenetic location: 13q13.1.
Variant type: single nucleotide variant.
Coding change: c.9539T>C on transcript NM_000059.4 (MANE Select); coding-DNA position 9539, T replaced by C.
Protein change: p.Leu3180Pro; replaces leucine 3180 with proline.
Molecular consequence: missense variant.
Genome position (GRCh38, 1-based): chr13:32,396,935, T>C. VCF-style: chr13-32396935-T-C. GRCh37 (hg19) VCF-style: chr13-32971072-T-C.
Other names: 9767T>C; short protein forms L3180P.
Identifiers: ClinVar variation 38247 (VCV000038247.13), dbSNP rs397507431, ClinGen allele CA026203.
Genomic context (GRCh38, chr13:32,396,935, plus strand): 5'-AGCTTTTCCACTTATTTTCTTAGAATATTGACATACTTTGCAATGAAGCAGAAAACAAGC[T>C]TATGCATATACTGCATGCAAATGATCCCAAGTGGTCCACCCCAACTAAAGACTGTACTTC-3'
Protein context (NP_000050.3, residues 3170-3190): DILCNEAENK[Leu3180Pro]MHILHANDPK

ClinVar aggregate classification (germline): Uncertain significance. Review status: criteria provided, multiple submitters, no conflicts (2 of 4 stars). 4 submissions from 4 submitters: Uncertain significance (3). 1 of the submissions does not count toward it. Last evaluated 2024-10-02.

Conditions:
Hereditary cancer-predisposing syndrome. Also called: Tumor predisposition; Neoplastic Syndromes, Hereditary; Hereditary neoplastic syndrome; Hereditary Cancer Syndrome. Identifiers: Orphanet 140162, MedGen C0027672, MeSH D009386, MONDO:0015356.
Hereditary breast ovarian cancer syndrome. Also called: Hereditary breast and ovarian cancer; Hereditary breast and ovarian cancer syndrome (HBOC); Hereditary breast and/or ovarian cancer syndrome; Breast and ovarian cancer; Hereditary breast and ovarian cancer syndrome; BRCA1- and BRCA2-Associated Hereditary Breast and Ovarian Cancer. Identifiers: Orphanet 145, MedGen C0677776, MeSH D061325, MONDO:0003582. Disease mechanism: loss of function.
Breast-ovarian cancer, familial, susceptibility to, 2 (BROVCA2). Also called: BRCA2 Hereditary Breast and Ovarian Cancer. Identifiers: Orphanet 145, MedGen C2675520, MONDO:0012933, OMIM 612555. Disease mechanism: loss of function.
Familial cancer of breast. Also called: Hereditary breast cancer; BREAST CANCER, FAMILIAL; hereditary breast carcinoma. Identifiers: Orphanet 227535, MedGen C0346153, MONDO:0016419, OMIM 114480. Disease mechanism: loss of function.

Allele frequency attached by ClinVar (database versions not stated): gnomAD 0.00001.

Submissions (4):

Labcorp Genetics (formerly Invitae), Labcorp
Classification: Uncertain significance for Hereditary breast ovarian cancer syndrome. Last evaluated: 2024-10-02. Review status: criteria provided, single submitter. Criteria: Invitae Variant Classification Sherloc (09022015). Collection method: clinical testing. Allele origin: germline.
Comment: This sequence change replaces leucine, which is neutral and non-polar, with proline, which is neutral and non-polar, at codon 3180 of the BRCA2 protein (p.Leu3180Pro). This variant is not present in population databases (gnomAD no frequency). This variant has not been reported in the literature in individuals affected with BRCA2-related conditions. ClinVar contains an entry for this variant (Variation ID: 38247). Invitae Evidence Modeling incorporating data from in vitro experimental studies (PMID: 33609447) indicates that this missense variant is expected to disrupt BRCA2 function with a positive predictive value of 95%. Experimental studies have shown that this missense change affects BRCA2 function (PMID: 33609447). In summary, the available evidence is currently insufficient to determine the role of this variant in disease. Therefore, it has been classified as a Variant of Uncertain Significance.

Baylor Genetics
Classification: Uncertain significance for Familial cancer of breast. Last evaluated: 2023-08-23. Review status: criteria provided, single submitter. Criteria: ACMG Guidelines, 2015. Collection method: clinical testing. Allele origin: unknown.

Ambry Genetics
Classification: Uncertain significance for Hereditary cancer-predisposing syndrome. Last evaluated: 2021-06-13. Review status: criteria provided, single submitter. Criteria: Ambry Variant Classification Scheme 2023. Collection method: clinical testing. Allele origin: germline.
Comment: The p.L3180P variant (also known as c.9539T>C), located in coding exon 25 of the BRCA2 gene, results from a T to C substitution at nucleotide position 9539. The leucine at codon 3180 is replaced by proline, an amino acid with similar properties. This amino acid position is conserved. In addition, this alteration is predicted to be deleterious by in silico analysis. Since supporting evidence is limited at this time, the clinical significance of this alteration remains unclear.

Sharing Clinical Reports Project (SCRP)
Classification: Uncertain significance for Breast-ovarian cancer, familial 2. Last evaluated: 2012-02-07. Review status: no assertion criteria provided. Collection method: clinical testing. Allele origin: germline. Not counted in ClinVar's aggregate classification.

Literature cited by the submitters: PubMed 33609447 (cited by Labcorp Genetics (formerly Invitae), Labcorp).